The following is an entry in ClinVar:

NM_199420.4(POLQ):c.7405A>G (p.Ile2469Val)

Gene: POLQ (DNA polymerase theta; minus strand). Cytogenetic location: 3q13.33.
Variant type: single nucleotide variant.
Coding change: c.7405A>G on transcript NM_199420.4 (MANE Select); coding-DNA position 7405, A replaced by G.
Protein change: p.Ile2469Val; replaces isoleucine 2469 with valine.
Molecular consequence: missense variant.
Genome position (GRCh38, 1-based): chr3:121,436,260, T>C on the plus strand (A>G on the coding strand, the complement: POLQ is on the minus strand). VCF-style: chr3-121436260-T-C. GRCh37 (hg19) VCF-style: chr3-121155107-T-C.
Other names: short protein forms I2469V.
Identifiers: ClinVar variation 1758759 (VCV001758759.2), dbSNP rs2546747449, ClinGen allele CA354096242.

ClinVar aggregate classification (germline): Uncertain significance (1 of 4 stars; one submission).

Allele frequency attached by ClinVar (database versions not stated): gnomAD exomes below 0.00001.
gnomAD v4.1: 3 of 1,613,870 alleles (0.00019%); highest among the groups gnomAD compares: Non-Finnish European, 0.00025%; no homozygotes.

Submission:

Ambry Genetics
Classification: Uncertain significance. Last evaluated: 2023-09-22. Review status: criteria provided, single submitter. Criteria: Ambry Variant Classification Scheme 2023. Collection method: clinical testing. Allele origin: germline.
Comment: The p.I2469V variant (also known as c.7405A>G), located in coding exon 28 of the POLQ gene, results from an A to G substitution at nucleotide position 7405. The isoleucine at codon 2469 is replaced by valine, an amino acid with highly similar properties. This amino acid position is conserved. In addition, this alteration is predicted to be tolerated by in silico analysis. Since supporting evidence is limited at this time, the clinical significance of this alteration remains unclear.